The following is an entry in ClinVar:

NM_006206.6(PDGFRA):c.3043G>A (p.Asp1015Asn)

Gene: PDGFRA (platelet derived growth factor receptor alpha; plus strand). Cytogenetic location: 4q12.
Variant type: single nucleotide variant.
Coding change: c.3043G>A on transcript NM_006206.6 (MANE Select); coding-DNA position 3043, G replaced by A.
Protein change: p.Asp1015Asn; replaces aspartic acid 1015 with asparagine.
Molecular consequence: missense variant.
Genome position (GRCh38, 1-based): chr4:54,290,475, G>A. VCF-style: chr4-54290475-G-A. GRCh37 (hg19) VCF-style: chr4-55156642-G-A.
Other names: c.3118G>A, p.Asp1040Asn (NM_001347828.2); c.3043G>A, p.Asp1015Asn (NM_001347829.2); c.3082G>A, p.Asp1028Asn (NM_001347830.2); short protein forms D1015N, D1028N, D1040N.
Identifiers: ClinVar variation 853923 (VCV000853923.11), dbSNP rs1724573562, ClinGen allele CA356896255.

ClinVar aggregate classification (germline): Uncertain significance. Review status: criteria provided, multiple submitters, no conflicts (2 of 4 stars). 2 submissions from 2 submitters: Uncertain significance (2). Last evaluated 2025-01-25.

Conditions:
Gastrointestinal stromal tumor. Also called: Gastrointestinal stromal tumor, somatic; Gastrointestinal stroma tumor. Identifiers: Orphanet 44890, MedGen C0238198, MeSH D046152, MONDO:0011719, OMIM 606764, HP:0100723.
Hereditary cancer-predisposing syndrome. Also called: Neoplastic Syndromes, Hereditary; Tumor predisposition; Hereditary Cancer Syndrome; Hereditary neoplastic syndrome. Identifiers: Orphanet 140162, MedGen C0027672, MeSH D009386, MONDO:0015356.

Submissions (2):

Ambry Genetics
Classification: Uncertain significance for Hereditary cancer-predisposing syndrome. Last evaluated: 2025-01-25. Review status: criteria provided, single submitter. Criteria: Ambry Variant Classification Scheme 2023. Collection method: clinical testing. Allele origin: germline.
Comment: The p.D1015N variant (also known as c.3043G>A), located in coding exon 21 of the PDGFRA gene, results from a G to A substitution at nucleotide position 3043. The aspartic acid at codon 1015 is replaced by asparagine, an amino acid with highly similar properties. This amino acid position is highly conserved in available vertebrate species. In addition, this alteration is predicted to be tolerated by in silico analysis. Based on the available evidence, the clinical significance of this variant remains unclear.

Labcorp Genetics (formerly Invitae), Labcorp
Classification: Uncertain significance for Gastrointestinal stromal tumor. Last evaluated: 2023-09-10. Review status: criteria provided, single submitter. Criteria: Invitae Variant Classification Sherloc (09022015). Collection method: clinical testing. Allele origin: germline.
Comment: This sequence change replaces aspartic acid, which is acidic and polar, with asparagine, which is neutral and polar, at codon 1015 of the PDGFRA protein (p.Asp1015Asn). This variant is not present in population databases (gnomAD no frequency). This variant has not been reported in the literature in individuals affected with PDGFRA-related conditions. ClinVar contains an entry for this variant (Variation ID: 853923). Advanced modeling of protein sequence and biophysical properties (such as structural, functional, and spatial information, amino acid conservation, physicochemical variation, residue mobility, and thermodynamic stability) performed at Invitae indicates that this missense variant is not expected to disrupt PDGFRA protein function. In summary, the available evidence is currently insufficient to determine the role of this variant in disease. Therefore, it has been classified as a Variant of Uncertain Significance.